The following is an entry in ClinVar:

ClinVar aggregate classification (germline): Uncertain significance (1 of 4 stars; one submission).

Conditions:
Osteogenesis imperfecta type 8 (OI8). Identifiers: MedGen C1970458, MONDO:0012581, OMIM 610915.

Allele frequency attached by ClinVar (database versions not stated): gnomAD exomes below 0.00001.
gnomAD v4.1: 1 of 1,614,214 alleles (0.000062%); highest among the groups gnomAD compares: Non-Finnish European, 0.000085%; no homozygotes.

Submission:

Labcorp Genetics (formerly Invitae), Labcorp
Classification: Uncertain significance for Osteogenesis imperfecta type 8. Last evaluated: 2022-06-28. Review status: criteria provided, single submitter. Criteria: Invitae Variant Classification Sherloc (09022015). Collection method: clinical testing. Allele origin: germline.
Comment: In summary, the available evidence is currently insufficient to determine the role of this variant in disease. Therefore, it has been classified as a Variant of Uncertain Significance. Algorithms developed to predict the effect of missense changes on protein structure and function (SIFT, PolyPhen-2, Align-GVGD) all suggest that this variant is likely to be tolerated. This variant has not been reported in the literature in individuals affected with P3H1-related conditions. This variant is not present in population databases (gnomAD no frequency). This sequence change replaces glutamine, which is neutral and polar, with arginine, which is basic and polar, at codon 419 of the P3H1 protein (p.Gln419Arg).

NM_022356.4(P3H1):c.1256A>G (p.Gln419Arg)

Gene: P3H1 (prolyl 3-hydroxylase 1; minus strand). Cytogenetic location: 1p34.2.
Variant type: single nucleotide variant.
Coding change: c.1256A>G on transcript NM_022356.4 (MANE Select); coding-DNA position 1256, A replaced by G.
Protein change: p.Gln419Arg; replaces glutamine 419 with arginine.
Molecular consequence: missense variant.
Genome position (GRCh38, 1-based): chr1:42,754,958, T>C on the plus strand (A>G on the coding strand, the complement: P3H1 is on the minus strand). VCF-style: chr1-42754958-T-C. GRCh37 (hg19) VCF-style: chr1-43220629-T-C.
Other names: c.1256A>G, p.Gln419Arg (NM_001146289.2, NM_001243246.2); short protein forms Q419R.
Identifiers: ClinVar variation 2186111 (VCV002186111.4), dbSNP rs763778849, ClinGen allele CA339957829.